The following is an entry in ClinVar:

ClinVar aggregate classification (germline): Likely pathogenic (1 of 4 stars; one submission).

Conditions:
Smith-Magenis syndrome (SMS). Also called: CHROMOSOME 17p11.2 DELETION SYNDROME. Identifiers: Orphanet 819, MedGen C0795864, MONDO:0008434, OMIM 182290.

Submission:

3billion
Classification: Likely pathogenic for Smith-Magenis syndrome. Last evaluated: 2024-01-17. Review status: criteria provided, single submitter. Criteria: ACMG Guidelines, 2015. Collection method: clinical testing. Allele origin: germline. Affected: yes.
Comment: The variant is not observed in the gnomAD v2.1.1 dataset. Predicted Consequence/Location: Frameshift: predicted to result in a loss or disruption of normal protein function through nonsense-mediated decay (NMD) or protein truncation. Multiple pathogenic variants are reported downstream of the variant. Therefore, this variant is classified as Likely pathogenic according to the recommendation of ACMG/AMP guideline.

NM_030665.4(RAI1):c.93del (p.Arg31fs)

Gene: RAI1 (retinoic acid induced 1; plus strand). Cytogenetic location: 17p11.2.
Variant type: Deletion.
Coding change: c.93del on transcript NM_030665.4 (MANE Select); coding-DNA position 93, one base deleted (G; older notation c.93delG).
Protein change: p.Arg31fs; shifts the reading frame from arginine 31.
Molecular consequence: frameshift variant.
Genome position (GRCh38, 1-based): chr17:17,793,041, G deleted; the last of 2 consecutive G bases (chr17:17,793,040-17,793,041); deleting either gives the same sequence. VCF-style (leftmost placement, unchanged base first): chr17-17793039-AG-A. GRCh37 (hg19) VCF-style: chr17-17696353-AG-A.
Other names: short protein forms R31fs.
Identifiers: ClinVar variation 3776286 (VCV003776286.1).